The following is an entry in ClinVar:

ClinVar aggregate classification (germline): Uncertain significance (1 of 4 stars; one submission).

Conditions:
Adenylosuccinate lyase deficiency (ADSLD). Also called: ADSL DEFICIENCY. Identifiers: Orphanet 46, MedGen C0268126, MONDO:0007068, OMIM 103050.

Allele frequency attached by ClinVar (database versions not stated): gnomAD exomes 0.00001; 1000 Genomes Project 30x 0.00031; 1000 Genomes Project 0.00040.

Submission:

Labcorp Genetics (formerly Invitae), Labcorp
Classification: Uncertain significance for Adenylosuccinate lyase deficiency. Last evaluated: 2022-07-24. Review status: criteria provided, single submitter. Criteria: Invitae Variant Classification Sherloc (09022015). Collection method: clinical testing. Allele origin: germline.
Comment: This variant occurs in a non-coding region of the ADSL gene. It does not change the encoded amino acid sequence of the ADSL protein. This variant is present in population databases (rs186550906, gnomAD 0.2%). This variant has not been reported in the literature in individuals affected with ADSL-related conditions. Experimental studies and prediction algorithms are not available or were not evaluated, and the functional significance of this variant is currently unknown. In summary, the available evidence is currently insufficient to determine the role of this variant in disease. Therefore, it has been classified as a Variant of Uncertain Significance.

NC_000022.11:g.40346424G>A

Gene: ADSL (adenylosuccinate lyase; plus strand). Cytogenetic location: 22q13.1.
Variant type: single nucleotide variant.
Genome position: GRCh38 VCF-style: chr22-40346424-G-A. GRCh37 (hg19) VCF-style: chr22-40742428-G-A.
Identifiers: ClinVar variation 1504974 (VCV001504974.4), dbSNP rs186550906, ClinGen allele CA324446896.